The following is an entry in ClinVar:

ClinVar aggregate classification (germline): Uncertain significance. Review status: criteria provided, multiple submitters, no conflicts (2 of 4 stars). 2 submissions from 2 submitters: Uncertain significance (2). Last evaluated 2026-07-01.

Conditions:
Inborn genetic diseases. Identifiers: MedGen C0950123, MeSH D030342.

gnomAD v4.1: 2 of 1,609,892 alleles (0.00012%); highest among the groups gnomAD compares: Non-Finnish European, 0.000085%; no homozygotes.

Submissions (2):

CeGaT Center for Human Genetics Tuebingen
Classification: Uncertain significance. Last evaluated: 2026-07-01. Review status: criteria provided, single submitter. Criteria: CeGaT Center For Human Genetics Tuebingen Variant Classification Criteria Version 2. Collection method: clinical testing. Allele origin: germline. Affected: yes. Observed: 1 variant allele.
Comment: PIGB: PM2, PM3

Ambry Genetics
Classification: Uncertain significance for Inborn genetic diseases. Last evaluated: 2025-01-21. Review status: criteria provided, single submitter. Criteria: Ambry Variant Classification Scheme 2023. Collection method: clinical testing. Allele origin: germline.

NM_004855.5(PIGB):c.545G>T (p.Trp182Leu)

Gene: PIGB (phosphatidylinositol glycan anchor biosynthesis class B; plus strand). Cytogenetic location: 15q21.3.
Variant type: single nucleotide variant.
Coding change: c.545G>T on transcript NM_004855.5 (MANE Select); coding-DNA position 545, G replaced by T.
Protein change: p.Trp182Leu; replaces tryptophan 182 with leucine.
Molecular consequence: missense variant.
Genome position (GRCh38, 1-based): chr15:55,329,746, G>T. VCF-style: chr15-55329746-G-T. GRCh37 (hg19) VCF-style: chr15-55621944-G-T.
Other names: short protein forms W182L.
Identifiers: ClinVar variation 3888764 (VCV003888764.3).